The following is an entry in ClinVar:

NM_000260.4(MYO7A):c.4462G>A (p.Asp1488Asn)

Gene: MYO7A (myosin VIIA; plus strand). Cytogenetic location: 11q13.5.
Variant type: single nucleotide variant.
Coding change: c.4462G>A on transcript NM_000260.4 (MANE Select); coding-DNA position 4462, G replaced by A.
Protein change: p.Asp1488Asn; replaces aspartic acid 1488 with asparagine.
Molecular consequence: missense variant.
Genome position (GRCh38, 1-based): chr11:77,198,515, G>A. VCF-style: chr11-77198515-G-A. GRCh37 (hg19) VCF-style: chr11-76909560-G-A.
Other names: c.4462G>A, p.Asp1488Asn (NM_001127180.2); c.4429G>A, p.Asp1477Asn (NM_001369365.1); short protein forms D1477N, D1488N.
Identifiers: ClinVar variation 1524092 (VCV001524092.7), dbSNP rs768268356, ClinGen allele CA6198456.
Genomic context (GRCh38, chr11:77,198,515, plus strand): 5'-TGTGGGAGGCCTGCCTCTCAGTGCCTTGGTCTCGTCCCAGGCCCCAGTCTCCCCAAGAAC[G>A]ACGTCATCGTGGCCGTCAACTGGACGGGTGTGTACTTTGTGGATGAGCAGGAGCAGGTAC-3'
Protein context (NP_000251.3, residues 1478-1498): KFSGPSLPKN[Asp1488Asn]VIVAVNWTGV

ClinVar aggregate classification (germline): Uncertain significance (1 of 4 stars; one submission).

Allele frequency attached by ClinVar (database versions not stated): gnomAD 0.00002.
gnomAD v4.1: 4 of 1,613,762 alleles (0.00025%); highest among the groups gnomAD compares: African/African-American, 0.0053%; no homozygotes.

Submission:

Labcorp Genetics (formerly Invitae), Labcorp
Classification: Uncertain significance. Last evaluated: 2024-10-26. Review status: criteria provided, single submitter. Criteria: Invitae Variant Classification Sherloc (09022015). Collection method: clinical testing. Allele origin: germline.
Comment: This sequence change replaces aspartic acid, which is acidic and polar, with asparagine, which is neutral and polar, at codon 1488 of the MYO7A protein (p.Asp1488Asn). The frequency data for this variant in the population databases is considered unreliable, as metrics indicate poor data quality at this position in the gnomAD database. This variant has not been reported in the literature in individuals affected with MYO7A-related conditions. ClinVar contains an entry for this variant (Variation ID: 1524092). Invitae Evidence Modeling of protein sequence and biophysical properties (such as structural, functional, and spatial information, amino acid conservation, physicochemical variation, residue mobility, and thermodynamic stability) indicates that this missense variant is not expected to disrupt MYO7A protein function with a negative predictive value of 95%. In summary, the available evidence is currently insufficient to determine the role of this variant in disease. Therefore, it has been classified as a Variant of Uncertain Significance.